The following is an entry in ClinVar:

NM_000179.3(MSH6):c.4063A>T (p.Thr1355Ser)

Gene: MSH6 (mutS homolog 6; plus strand). Cytogenetic location: 2p16.3.
Variant type: single nucleotide variant.
Coding change: c.4063A>T on transcript NM_000179.3 (MANE Select); coding-DNA position 4063, A replaced by T.
Protein change: p.Thr1355Ser; replaces threonine 1355 with serine.
Molecular consequence: missense variant. On other transcripts: 3 prime UTR variant (5), non-coding transcript variant (5).
Genome position (GRCh38, 1-based): chr2:47,806,840, A>T. VCF-style: chr2-47806840-A-T. GRCh37 (hg19) VCF-style: chr2-48033979-A-T.
Other names: c.3157A>T, p.Thr1053Ser (NM_001406811.1, NM_001406812.1, NM_001406814.1 and 6 more transcripts); c.4069A>T, p.Thr1357Ser (NM_001406813.1); c.2497A>T, p.Thr833Ser (NM_001406817.1); c.3766A>T, p.Thr1256Ser (NM_001406818.1, NM_001406819.1, NM_001406820.1 and 8 more transcripts); c.3673A>T, p.Thr1225Ser (NM_001281492.2); c.4159A>T, p.Thr1387Ser (NM_001406795.1); c.4063A>T, p.Thr1355Ser (NM_001406796.1, NM_001406809.1); c.3889A>T, p.Thr1297Ser (NM_001406798.1); and 9 more; short protein forms T1256S, T1297S, T1299S, T1357S, T1387S, T282S, T304S, T1053S.
Identifiers: ClinVar variation 5024937 (VCV005024937.1).
Genomic context (GRCh38, chr2:47,806,840, plus strand): 5'-GAAGTTTGCCTGGCTAGTGAAAGGTCAACTGTAGATGCTGAAGCTGTCCATAAATTGCTG[A>T]CTTTGATTAAGGAATTATAGACTGACTACATTGGAAGCTTTGAGTTGACTTCTGACAAAG-3'
Protein context (NP_000170.1, residues 1345-1360): VDAEAVHKLL[Thr1355Ser]LIKEL

ClinVar aggregate classification (germline): Uncertain significance (1 of 4 stars; one submission).

Conditions:
Hereditary cancer-predisposing syndrome. Also called: Neoplastic Syndromes, Hereditary; Tumor predisposition; Hereditary neoplastic syndrome; Hereditary Cancer Syndrome. Identifiers: Orphanet 140162, MedGen C0027672, MeSH D009386, MONDO:0015356.

Submission:

Ambry Genetics
Classification: Uncertain significance for Hereditary cancer-predisposing syndrome. Last evaluated: 2026-09-01. Review status: criteria provided, single submitter. Criteria: Ambry Variant Classification Scheme 2023. Collection method: clinical testing. Allele origin: germline.
Comment: The p.T1355S variant (also known as c.4063A>T), located in coding exon 10 of the MSH6 gene, results from an A to T substitution at nucleotide position 4063. The threonine at codon 1355 is replaced by serine, an amino acid with similar properties. This amino acid position is conserved. In addition, this alteration is predicted to be tolerated by in silico analysis. Based on the available evidence, the clinical significance of this variant remains unclear.